The following is an entry in ClinVar:

ClinVar aggregate classification (germline): Uncertain significance (1 of 4 stars; one submission).

Conditions:
Familial adenomatous polyposis 2. Also called: Adenomas, multiple colorectal; MYH-associated polyposis; COLORECTAL ADENOMATOUS POLYPOSIS, AUTOSOMAL RECESSIVE; ADENOMAS, MULTIPLE COLORECTAL, AUTOSOMAL RECESSIVE; FAP type 2; MUTYH Polyposis. Identifiers: Orphanet 220460, Orphanet 247798, MedGen C3272841, MONDO:0012041, OMIM 608456.

Submission:

Labcorp Genetics (formerly Invitae), Labcorp
Classification: Uncertain significance for Familial adenomatous polyposis 2. Last evaluated: 2021-08-01. Review status: criteria provided, single submitter. Criteria: Invitae Variant Classification Sherloc (09022015). Collection method: clinical testing. Allele origin: germline.
Comment: This variant is not present in population databases (ExAC no frequency). This variant has not been reported in the literature in individuals affected with MUTYH-related conditions. Algorithms developed to predict the effect of missense changes on protein structure and function output the following: SIFT: "Tolerated"; PolyPhen-2: "Benign"; Align-GVGD: "Class C0". The serine amino acid residue is found in multiple mammalian species, which suggests that this missense change does not adversely affect protein function. In summary, the available evidence is currently insufficient to determine the role of this variant in disease. Therefore, it has been classified as a Variant of Uncertain Significance. This sequence change replaces proline with serine at codon 465 of the MUTYH protein (p.Pro465Ser). The proline residue is highly conserved and there is a moderate physicochemical difference between proline and serine.

NM_001048174.2(MUTYH):c.1309C>T (p.Pro437Ser)

Gene: MUTYH (mutY DNA glycosylase; minus strand). Cytogenetic location: 1p34.1.
Variant type: single nucleotide variant.
Coding change: c.1309C>T on transcript NM_001048174.2 (MANE Select); coding-DNA position 1309, C replaced by T.
Protein change: p.Pro437Ser; replaces proline 437 with serine.
Molecular consequence: missense variant. On other transcripts: non-coding transcript variant (2).
Genome position (GRCh38, 1-based): chr1:45,331,265, G>A on the plus strand (C>T on the coding strand, the complement: MUTYH is on the minus strand). VCF-style: chr1-45331265-G-A. GRCh37 (hg19) VCF-style: chr1-45796937-G-A.
Other names: c.1309C>T, p.Pro437Ser (NM_001048173.2, NM_001293195.2, NM_001048171.2); c.1393C>T, p.Pro465Ser (NM_001128425.2); c.1354C>T, p.Pro452Ser (NM_001293190.2); c.1342C>T, p.Pro448Ser (NM_001293191.2); c.1033C>T, p.Pro345Ser (NM_001293192.2, NM_001293196.2); c.964C>T, p.Pro322Ser (NM_001350650.2, NM_001350651.2); c.1312C>T, p.Pro438Ser (NM_001048172.2); c.1384C>T, p.Pro462Ser (NM_012222.3); short protein forms P438S, P452S, P322S, P345S, P462S, P437S, P465S, P448S.
Identifiers: ClinVar variation 1371494 (VCV001371494.6), dbSNP rs375597447, ClinGen allele CA340132661.